The following is an entry in ClinVar:

ClinVar aggregate classification (germline): Uncertain significance (1 of 4 stars; one submission).

Submission:

Labcorp Genetics (formerly Invitae), Labcorp
Classification: Uncertain significance. Last evaluated: 2023-06-03. Review status: criteria provided, single submitter. Criteria: Invitae Variant Classification Sherloc (09022015). Collection method: clinical testing. Allele origin: germline.
Comment: This variant is not present in population databases (gnomAD no frequency). This sequence change replaces isoleucine, which is neutral and non-polar, with methionine, which is neutral and non-polar, at codon 649 of the GUF1 protein (p.Ile649Met). This variant has not been reported in the literature in individuals affected with GUF1-related conditions. In summary, the available evidence is currently insufficient to determine the role of this variant in disease. Therefore, it has been classified as a Variant of Uncertain Significance. An algorithm developed to predict the effect of missense changes on protein structure and function (PolyPhen-2) suggests that this variant is likely to be disruptive.

NM_021927.3(GUF1):c.1947T>G (p.Ile649Met)

Gene: GUF1 (GTP binding elongation factor GUF1; plus strand). Cytogenetic location: 4p12.
Variant type: single nucleotide variant.
Coding change: c.1947T>G on transcript NM_021927.3 (MANE Select); coding-DNA position 1947, T replaced by G.
Protein change: p.Ile649Met; replaces isoleucine 649 with methionine.
Molecular consequence: missense variant.
Genome position (GRCh38, 1-based): chr4:44,698,618, T>G. VCF-style: chr4-44698618-T-G. GRCh37 (hg19) VCF-style: chr4-44700635-T-G.
Other names: c.975T>G, p.Ile325Met (NM_001345867.2, NM_001345869.2); c.1827T>G, p.Ile609Met (NM_001345868.2); short protein forms I609M, I325M, I649M.
Identifiers: ClinVar variation 2804207 (VCV002804207.3), dbSNP rs768670047, ClinGen allele CA356765600.